The following is an entry in ClinVar:

NM_001394862.1(PRB3):c.762A>C (p.Gly254=)

Gene: PRB3 (proline rich protein BstNI subfamily 3; minus strand). Cytogenetic location: 12p13.2.
Variant type: single nucleotide variant.
Coding change: c.762A>C on transcript NM_001394862.1 (MANE Select); coding-DNA position 762, A replaced by C.
Protein change: p.Gly254=; no amino-acid change (glycine 254 retained).
Molecular consequence: synonymous variant. On other transcripts: intron variant (1).
Genome position (GRCh38, 1-based): chr12:11,267,487, T>G on the plus strand (A>C on the coding strand, the complement: PRB3 is on the minus strand). VCF-style: chr12-11267487-T-G. GRCh37 (hg19) VCF-style: chr12-11420421-T-G.
Other names: c.650-14A>C (NM_006249.5).
Identifiers: ClinVar variation 5038721 (VCV005038721.1).

ClinVar aggregate classification (germline): Likely benign (1 of 4 stars; one submission).

Submission:

CeGaT Center for Human Genetics Tuebingen
Classification: Likely benign. Last evaluated: 2026-08-01. Review status: criteria provided, single submitter. Criteria: CeGaT Center For Human Genetics Tuebingen Variant Classification Criteria Version 2. Collection method: clinical testing. Allele origin: germline. Affected: yes. Observed: 1 variant allele.
Comment: PRB3: BP4, BP7